The following is an entry in ClinVar:

ClinVar aggregate classification (germline): Uncertain significance. Review status: criteria provided, multiple submitters, no conflicts (2 of 4 stars). 2 submissions from 2 submitters: Uncertain significance (2). Last evaluated 2025-06-23.

Conditions:
Charcot-Marie-Tooth disease type 2. Also called: Charcot-Marie-Tooth type 2. Identifiers: Orphanet 64746, MedGen C0270914, MONDO:0018993.

Allele frequency attached by ClinVar (database versions not stated): TOPMed 0.00002.
gnomAD v4.1: 38 of 1,614,216 alleles (0.0024%); highest among the groups gnomAD compares: Non-Finnish European, 0.0032%; no homozygotes.

Submissions (2):

Labcorp Genetics (formerly Invitae), Labcorp
Classification: Uncertain significance for Charcot-Marie-Tooth disease type 2. Last evaluated: 2025-06-23. Review status: criteria provided, single submitter. Criteria: Invitae Variant Classification Sherloc (09022015). Collection method: clinical testing. Allele origin: germline.
Comment: This sequence change replaces threonine, which is neutral and polar, with isoleucine, which is neutral and non-polar, at codon 244 of the BSCL2 protein (p.Thr244Ile). This variant is present in population databases (rs758460754, gnomAD 0.0009%). This variant has not been reported in the literature in individuals affected with BSCL2-related conditions. ClinVar contains an entry for this variant (Variation ID: 411579). Invitae Evidence Modeling of protein sequence and biophysical properties (such as structural, functional, and spatial information, amino acid conservation, physicochemical variation, residue mobility, and thermodynamic stability) indicates that this missense variant is not expected to disrupt BSCL2 protein function with a negative predictive value of 80%. In summary, the available evidence is currently insufficient to determine the role of this variant in disease. Therefore, it has been classified as a Variant of Uncertain Significance.

Mayo Clinic Laboratories, Mayo Clinic
Classification: Uncertain significance. Last evaluated: 2023-05-31. Review status: criteria provided, single submitter. Criteria: ACMG Guidelines, 2015. Collection method: clinical testing. Allele origin: germline. Observed: 1 variant allele.
Comment: BP4, PM2

NM_001122955.4(BSCL2):c.923C>T (p.Thr308Ile)

Genes: HNRNPUL2-BSCL2 (HNRNPUL2-BSCL2 readthrough (NMD candidate); minus strand), BSCL2 (BSCL2 lipid droplet biogenesis associated, seipin; minus strand). Cytogenetic location: 11q12.3.
Variant type: single nucleotide variant.
Coding change: c.923C>T on transcript NM_001122955.4 (MANE Select); coding-DNA position 923, C replaced by T.
Protein change: p.Thr308Ile; replaces threonine 308 with isoleucine.
Molecular consequence: missense variant. On other transcripts: non-coding transcript variant (1), intron variant (1).
Genome position (GRCh38, 1-based): chr11:62,691,362, G>A on the plus strand (C>T on the coding strand, the complement: BSCL2 is on the minus strand). VCF-style: chr11-62691362-G-A. GRCh37 (hg19) VCF-style: chr11-62458834-G-A.
Other names: p.Thr244Ile; c.923C>T, p.Thr308Ile (NM_001386027.1, NM_001386028.1); c.731C>T, p.Thr244Ile (NM_032667.6); c.672-221C>T (NM_001130702.2); short protein forms T244I, T308I.
Identifiers: ClinVar variation 411579 (VCV000411579.9), dbSNP rs758460754, ClinGen allele CA6053408.